The following is an entry in ClinVar:

NM_002730.4(PRKACA):c.643-1_643insGGCTACAACTGGGATGAGGAGCGAAAA (p.Asn217_Lys218insTrpAspGluGluArgLysGlyTyrAsn)

Gene: PRKACA (protein kinase cAMP-activated catalytic subunit alpha; minus strand). Cytogenetic location: 19p13.12.
Variant type: Insertion.
Coding change: c.643-1_643insGGCTACAACTGGGATGAGGAGCGAAAA on transcript NM_002730.4 (MANE Select); the canonical splice acceptor site of the intron before coding-DNA position 643 through coding-DNA position 643, GGCTACAACTGGGATGAGGAGCGAAAA inserted.
Protein change: p.Asn217_Lys218insTrpAspGluGluArgLysGlyTyrAsn.
Genome position: GRCh38 VCF-style: chr19-14097474-T-TGTTGTAGCCTTTTCGCTCCTCATCCCA. GRCh37 (hg19) VCF-style: chr19-14208286-T-TGTTGTAGCCTTTTCGCTCCTCATCCCA.
Other names: c.651_652insTGGGATGAGGAGCGAAAAGGCTACAAC (NM_002730.4); c.871-1_871insGGCTACAACTGGGATGAGGAGCGAAAA, p.Asn293_Lys294insTrpAspGluGluArgLysGlyTyrAsn (NM_001304349.2); c.619-1_619insGGCTACAACTGGGATGAGGAGCGAAAA, p.Asn209_Lys210insTrpAspGluGluArgLysGlyTyrAsn (NM_207518.3).
Identifiers: ClinVar variation 4530419 (VCV004530419.1).

ClinVar aggregate classification (somatic clinical impact): Tier II - Potential (1 of 4 stars; one submission).

Conditions:
Leydig cell tumor. Identifiers: MedGen C0023601, MONDO:0006266.

Submission:

Institute for Genomic Medicine (IGM) Clinical Laboratory, Nationwide Children's Hospital
Classification: Tier II - Potential for Leydig cell tumor. Assertion type: diagnostic. Clinical significance: supports diagnosis. Last evaluated: 2025-04-11. Review status: criteria provided, single submitter. Criteria: AMP/ASCO/CAP Guidelines, 2017. Collection method: clinical testing. Allele origin: somatic. Affected: yes.
Comment: Variant has Tier II (potential) clinical significance as a diagnostic inclusion criterion in Leydig cell tumor, based on the following evidence: 1) Assists in diagnosis alone or along with other biomarkers based on small studies or few case reports (Evidence Level D; PMIDs: 24571724, 24747643, 25069672, 25750087, 28369983, 31276155).

Literature cited by the submitters: PubMed 24571724; PubMed 24747643; PubMed 25069672; PubMed 25750087; PubMed 28369983; PubMed 31276155.